The following is an entry in ClinVar:

ClinVar aggregate classification (germline): Uncertain significance. Review status: criteria provided, multiple submitters, no conflicts (2 of 4 stars). 3 submissions from 3 submitters: Uncertain significance (3). Last evaluated 2026-01-21.

Conditions:
TTN-related disorder. Also called: TTN-related condition; TTN-related disease; TTN-related disorders.

Allele frequency attached by ClinVar (database versions not stated): ExAC 0.00002; gnomAD 0.00002; TOPMed 0.00002; ESP Exome Variant Server 0.00008; gnomAD exomes below 0.00001 and 0.00001.

Submissions (3):

PreventionGenetics, part of Exact Sciences
Classification: Uncertain significance for TTN-related condition. Last evaluated: 2026-01-21. Review status: criteria provided, single submitter. Criteria: ACMG Guidelines, 2015. Collection method: clinical testing. Allele origin: germline.
Comment: The TTN c.62233A>G variant is predicted to result in the amino acid substitution p.Thr20745Ala. To our knowledge, this variant has not been reported in the literature. This variant is reported in 0.012% of alleles in individuals of African descent in gnomAD. At this time, the clinical significance of this variant is uncertain due to the absence of conclusive functional and genetic evidence.

Athena Diagnostics
Classification: Uncertain significance. Last evaluated: 2024-04-12. Review status: criteria provided, single submitter. Criteria: Athena Diagnostics Criteria. Collection method: clinical testing. Allele origin: unknown.
Comment: Available data are insufficient to determine the clinical significance of the variant at this time. The frequency of this variant in the general population is uninformative in assessment of its pathogenicity. Computational tools disagree on the variant's effect on normal protein function.

GeneDx
Classification: Uncertain significance. Last evaluated: 2020-05-20. Review status: criteria provided, single submitter. Criteria: GeneDx Variant Classification Process June 2021. Collection method: clinical testing. Allele origin: germline. Affected: yes.
Comment: Not observed at a significant frequency in large population cohorts (Lek et al., 2016); Missense variant in a gene in which most reported pathogenic variants are truncating/loss-of-function; Has not been previously published as pathogenic or benign to our knowledge

NM_001267550.2(TTN):c.62233A>G (p.Thr20745Ala)

Genes: TTN-AS1 (TTN antisense RNA 1; plus strand), TTN (titin; minus strand). Cytogenetic location: 2q31.2.
Variant type: single nucleotide variant.
Coding change: c.62233A>G on transcript NM_001267550.2 (MANE Select); coding-DNA position 62233, A replaced by G.
Protein change: p.Thr20745Ala; replaces threonine 20745 with alanine.
Molecular consequence: missense variant.
Genome position (GRCh38, 1-based): chr2:178,589,492, T>C on the plus strand (A>G on the coding strand, the complement: TTN is on the minus strand). VCF-style: chr2-178589492-T-C. GRCh37 (hg19) VCF-style: chr2-179454219-T-C.
Other names: c.62233A>G (NM_001267550.1); c.57310A>G, p.Thr19104Ala (NM_001256850.1); c.35038A>G, p.Thr11680Ala (NM_003319.4); c.54529A>G, p.Thr18177Ala (NM_133378.4); c.35413A>G, p.Thr11805Ala (NM_133432.3); c.35614A>G, p.Thr11872Ala (NM_133437.4); short protein forms T11680A, T11805A, T11872A, T18177A, T19104A, T20745A.
Identifiers: ClinVar variation 1216037 (VCV001216037.5), dbSNP rs374085176, ClinGen allele CA1992249.
Genomic context (GRCh38, chr2:178,589,492, plus strand): 5'-CTTCTTTCACAACAACTTCCTCTGTCTTCACCCAGTCACTTTCCCCACCTTCATTCTTTG[T>C]TTGCACTCTGAACTCATAAATCTGGTTTTCAACACATCTGTCAACCATGTAGTGAGTTTC-3'
Protein context (NP_001254479.2, residues 20735-20755): ENQIYEFRVQ[Thr20745Ala]KNEGGESDWV